The following is an entry in ClinVar:

NM_001354768.3(NRL):c.375C>G (p.His125Gln)

Gene: NRL (neural retina leucine zipper; minus strand). Cytogenetic location: 14q11.2.
Variant type: single nucleotide variant.
Coding change: c.375C>G on transcript NM_001354768.3 (MANE Select); coding-DNA position 375, C replaced by G.
Protein change: p.His125Gln; replaces histidine 125 with glutamine.
Molecular consequence: missense variant. On other transcripts: intron variant (1).
Genome position (GRCh38, 1-based): chr14:24,082,474, G>C on the plus strand (C>G on the coding strand, the complement: NRL is on the minus strand). VCF-style: chr14-24082474-G-C. GRCh37 (hg19) VCF-style: chr14-24551683-G-C.
Other names: c.375C>G, p.His125Gln (NM_001354769.1, NM_006177.5); c.66+309C>G (NM_001354770.2); short protein forms H125Q.
Identifiers: ClinVar variation 807100 (VCV000807100.54), dbSNP rs201970559, ClinGen allele CA7122869.
Genomic context (GRCh38, chr14:24,082,474, plus strand): 5'-GCAGTCCTCCTTCCTTGCCCTGCCTCCCCTCAGGCCAGCTTGCTGACCACTCACCTGGAC[G>C]TGCTGGGCTCCTGTCTCCTCTGGGCTCCCTGGGTAGTAGCCATGGGGCCCATCAACAGGG-3'
Protein context (NP_001341697.1, residues 115-135): PGSPEETGAQ[His125Gln]VQLAERFSDA

ClinVar aggregate classification (germline): Conflicting classifications of pathogenicity. Review status: criteria provided, conflicting classifications (1 of 4 stars). 5 submissions from 5 submitters: Uncertain significance (2); Benign (1); Likely benign (2). Last evaluated 2025-12-23.

Conditions:
Retinitis pigmentosa (RP). Identifiers: Orphanet 791, MedGen C0035334, MeSH D012174, MONDO:0019200, OMIM 268000. Inheritance: Autosomal dominant, autosomal recessive and X linked inheritance.
NRL-related disorder. Also called: NRL-related condition.

Allele frequency attached by ClinVar (database versions not stated): ESP Exome Variant Server 0.00008; TOPMed 0.00028; ExAC 0.00034; gnomAD 0.00096.
gnomAD v4.1: 415 of 1,612,354 alleles (0.026%); highest among the groups gnomAD compares: Non-Finnish European, 0.027%; no homozygotes.

Submissions (5):

Labcorp Genetics (formerly Invitae), Labcorp
Classification: Uncertain significance. Last evaluated: 2025-12-23. Review status: criteria provided, single submitter. Criteria: Invitae Variant Classification Sherloc (09022015). Collection method: clinical testing. Allele origin: germline.
Comment: This sequence change replaces histidine, which is basic and polar, with glutamine, which is neutral and polar, at codon 125 of the NRL protein (p.His125Gln). This variant is present in population databases (rs201970559, gnomAD 0.2%). This missense change has been observed in individual(s) with autosomal dominant retinal disease (PMID: 15591106). ClinVar contains an entry for this variant (Variation ID: 807100). An algorithm developed to predict the effect of missense changes on protein structure and function (PolyPhen-2) suggests that this variant is likely to be tolerated. Experimental studies have shown that this missense change affects NRL function (PMID: 17335001). In summary, the available evidence is currently insufficient to determine the role of this variant in disease. Therefore, it has been classified as a Variant of Uncertain Significance.

Blueprint Genetics
Classification: Likely benign. Last evaluated: 2024-11-04. Review status: criteria provided, single submitter. Criteria: ACMG Guidelines, 2015. Collection method: clinical testing. Allele origin: germline.

PreventionGenetics, part of Exact Sciences
Classification: Likely benign for NRL-related condition. Last evaluated: 2024-10-15. Review status: criteria provided, single submitter. Criteria: ACMG Guidelines, 2015. Collection method: clinical testing. Allele origin: germline.
Comment: This variant is classified as likely benign based on ACMG/AMP sequence variant interpretation guidelines (Richards et al. 2015 PMID: 25741868, with internal and published modifications).

Illumina Laboratory Services, Illumina
Classification: Benign for Retinitis pigmentosa. Last evaluated: 2017-04-27. Review status: criteria provided, single submitter. Criteria: ICSL Variant Classification Criteria 13 December 2019. Collection method: clinical testing. Allele origin: germline.
Comment: This variant was observed as part of a predisposition screen in an ostensibly healthy population. A literature search was performed for the gene, cDNA change, and amino acid change (where applicable). Publications were found based on this search. The evidence from the literature, in combination with allele frequency data from public databases where available, was sufficient to rule this variant out of causing disease. Therefore, this variant is classified as benign.

CeGaT Center for Human Genetics Tuebingen
Classification: Uncertain significance. Last evaluated: 2016-05-01. Review status: criteria provided, single submitter. Criteria: CeGaT Center For Human Genetics Tuebingen Variant Classification Criteria Version 2. Collection method: clinical testing. Allele origin: germline. Affected: yes. Observed: 1 variant allele.

Literature cited by the submitters: PubMed 15591106 (cited by Labcorp Genetics (formerly Invitae), Labcorp and Illumina Laboratory Services, Illumina); PubMed 17335001 (cited by Labcorp Genetics (formerly Invitae), Labcorp and Illumina Laboratory Services, Illumina); PubMed 27081294 (cited by Illumina Laboratory Services, Illumina).